The following is an entry in ClinVar:

ClinVar aggregate classification (germline): Likely benign (1 of 4 stars; one submission).

Allele frequency attached by ClinVar (database versions not stated): TOPMed 0.00001; gnomAD 0.00001.
gnomAD v4.1: 4 of 1,614,014 alleles (0.00025%); highest among the groups gnomAD compares: African/African-American, 0.0053%; no homozygotes.

Submission:

GeneDx
Classification: Likely benign. Last evaluated: 2016-04-01. Review status: criteria provided, single submitter. Criteria: GeneDx Variant Classification (06012015). Collection method: clinical testing. Allele origin: germline. Affected: yes.
Comment: This variant is considered likely benign or benign based on one or more of the following criteria: it is a conservative change, it occurs at a poorly conserved position in the protein, it is predicted to be benign by multiple in silico algorithms, and/or has population frequency not consistent with disease.

NM_002454.3(MTRR):c.781-4C>G

Gene: MTRR (5-methyltetrahydrofolate-homocysteine methyltransferase reductase; plus strand). Cytogenetic location: 5p15.31.
Variant type: single nucleotide variant.
Coding change: c.781-4C>G on transcript NM_002454.3 (MANE Select); 4 bases into the intron before coding-DNA position 781, C replaced by G.
Molecular consequence: intron variant.
Genome position (GRCh38, 1-based): chr5:7,883,151, C>G. VCF-style: chr5-7883151-C-G. GRCh37 (hg19) VCF-style: chr5-7883264-C-G.
Other names: c.781-4C>G (NM_001364440.2, NM_001364441.2, NM_001364442.2 and 1 more transcripts).
Identifiers: ClinVar variation 384262 (VCV000384262.1), dbSNP rs1057521905, ClinGen allele CA16604825.
Genomic context (GRCh38, chr5:7,883,151, plus strand): 5'-CACTAATTGAAAGAAGGGTATAATTGAAAATTGCACTTACGTTTTGTCACATTTGTTTTT[C>G]AAGGAGGAAAGCCAAGTATCTGTGACTTCAGCAGATCCAGTTTTTCAAGTGCCAATTTCA-3'